The following is an entry in ClinVar:

Conditions:
Long QT syndrome 5 (LQT5). Identifiers: Orphanet 101016, Orphanet 768, MedGen C1867904, MONDO:0013372, OMIM 613695.

Submission:

Roden Lab, Vanderbilt University Medical Center
No classification provided (evidence only). Condition: Long QT syndrome 5. Review status: no classification provided. Collection method: in vitro. Allele origin: not applicable. Functional consequence: Effect on ion channel function.
ClinVar note: "not provided" was previously submitted as the classification for the variant. However, the classification appeared to be based only on an observation of functional data so it was converted to no classification on 2025-07-30.

NM_000219.6(KCNE1):c.333C>G (p.Asn111Lys)

Gene: KCNE1 (potassium voltage-gated channel subfamily E regulatory subunit 1; minus strand). Cytogenetic location: 21q22.12.
Variant type: single nucleotide variant.
Coding change: c.333C>G on transcript NM_000219.6 (MANE Select); coding-DNA position 333, C replaced by G.
Protein change: p.Asn111Lys; replaces asparagine 111 with lysine.
Molecular consequence: missense variant.
Genome position (GRCh38, 1-based): chr21:34,449,302, G>C on the plus strand (C>G on the coding strand, the complement: KCNE1 is on the minus strand). VCF-style: chr21-34449302-G-C. GRCh37 (hg19) VCF-style: chr21-35821600-G-C.
Other names: c.333C>G, p.Asn111Lys (NM_001127668.4, NM_001127669.4, NM_001127670.4 and 4 more transcripts); short protein forms N111K.
Identifiers: ClinVar variation 3374667 (VCV003374667.2).